The following is an entry in ClinVar:

NM_199355.4(ADAMTS18):c.1916A>G (p.Asn639Ser)

Gene: ADAMTS18 (ADAM metallopeptidase with thrombospondin type 1 motif 18; minus strand). Cytogenetic location: 16q23.1.
Variant type: single nucleotide variant.
Coding change: c.1916A>G on transcript NM_199355.4 (MANE Select); coding-DNA position 1916, A replaced by G.
Protein change: p.Asn639Ser; replaces asparagine 639 with serine.
Molecular consequence: missense variant.
Genome position (GRCh38, 1-based): chr16:77,325,982, T>C on the plus strand (A>G on the coding strand, the complement: ADAMTS18 is on the minus strand). VCF-style: chr16-77325982-T-C. GRCh37 (hg19) VCF-style: chr16-77359879-T-C.
Other names: c.1400A>G, p.Asn467Ser (NM_001326358.2); short protein forms N467S, N639S.
Identifiers: ClinVar variation 861722 (VCV000861722.9), dbSNP rs142639977, ClinGen allele CA8181120.

ClinVar aggregate classification (germline): Uncertain significance. Review status: criteria provided, multiple submitters, no conflicts (2 of 4 stars). 5 submissions from 5 submitters: Uncertain significance (4). 1 of the submissions does not count toward it. Last evaluated 2024-12-18.

Conditions:
Retinal dystrophy. Also called: Inherited retinal dystrophy. Identifiers: Orphanet 71862, MedGen C0854723, MeSH D058499, MONDO:0019118, HP:0000556.

Allele frequency attached by ClinVar (database versions not stated): TOPMed 0.00025; gnomAD 0.00035 and 0.00038; gnomAD exomes 0.00037 and 0.00053; 1000 Genomes Project 30x 0.00016; ESP Exome Variant Server 0.00062; 1000 Genomes Project 0.00020; ExAC 0.00049.
gnomAD v4.1: 814 of 1,614,090 alleles (0.05%); highest among the groups gnomAD compares: South Asian, 0.065%; 1 homozygote.

Submissions (5):

GeneDx
Classification: Uncertain significance. Last evaluated: 2024-12-18. Review status: criteria provided, single submitter. Criteria: GeneDx Variant Classification Process June 2021. Collection method: clinical testing. Allele origin: germline. Affected: yes.
Comment: In silico analysis supports that this missense variant has a deleterious effect on protein structure/function; Has not been previously published as pathogenic or benign to our knowledge

Blueprint Genetics
Classification: Uncertain significance. Last evaluated: 2024-10-18. Review status: criteria provided, single submitter. Criteria: ACMG Guidelines, 2015. Collection method: clinical testing. Allele origin: germline.

Labcorp Genetics (formerly Invitae), Labcorp
Classification: Uncertain significance. Last evaluated: 2022-10-25. Review status: criteria provided, single submitter. Criteria: Invitae Variant Classification Sherloc (09022015). Collection method: clinical testing. Allele origin: germline.
Comment: This sequence change replaces asparagine, which is neutral and polar, with serine, which is neutral and polar, at codon 639 of the ADAMTS18 protein (p.Asn639Ser). This variant is present in population databases (rs142639977, gnomAD 0.07%). This variant has not been reported in the literature in individuals affected with ADAMTS18-related conditions. ClinVar contains an entry for this variant (Variation ID: 861722). Algorithms developed to predict the effect of missense changes on protein structure and function output the following: SIFT: "Not Available"; PolyPhen-2: "Possibly Damaging"; Align-GVGD: "Not Available". The serine amino acid residue is found in multiple mammalian species, which suggests that this missense change does not adversely affect protein function. In summary, the available evidence is currently insufficient to determine the role of this variant in disease. Therefore, it has been classified as a Variant of Uncertain Significance.

Clinical Genetics Laboratory, Skane University Hospital Lund
Classification: Uncertain significance. Last evaluated: 2022-05-27. Review status: criteria provided, single submitter. Criteria: ACMG Guidelines, 2015. Collection method: clinical testing. Allele origin: germline. Affected: yes.

Institute of Human Genetics, Univ. Regensburg, Univ. Regensburg
Classification: Uncertain significance for Retinal dystrophy. Last evaluated: 2023-01-01. Review status: no assertion criteria provided. Criteria: ACMG Guidelines, 2015. Collection method: clinical testing. Allele origin: germline. Affected: yes. Not counted in ClinVar's aggregate classification.